The following is an entry in ClinVar:

ClinVar aggregate classification (germline): Uncertain significance (1 of 4 stars; one submission).

Conditions:
SLC26A4-related disorder. Also called: SLC26A4-related disorders; SLC26A4-related condition.

gnomAD v4.1: 18 of 1,613,940 alleles (0.0011%); highest among the groups gnomAD compares: African/African-American, 0.004%; no homozygotes.

Submission:

PreventionGenetics, part of Exact Sciences
Classification: Uncertain significance for SLC26A4-related condition. Last evaluated: 2026-06-24. Review status: criteria provided, single submitter. Criteria: ACMG Guidelines, 2015. Collection method: clinical testing. Allele origin: germline.
Comment: The SLC26A4 c.262G>A variant is predicted to result in the amino acid substitution p.Val88Ile. This variant has been reported in an individual with hearing loss along with pathogenic variant (Table 1, Pera et al. 2008. PubMed ID: 19017801) and it was assessed as gain of function variant by in vitro functional study (Dossena et al. 2011. PubMed ID: 22116359). In in silico prediction study, this variant was assessed as likely benign (Table 2, Bassot et al. 2016. PubMed ID: 27771369). This variant is reported in 0.0065% of alleles in individuals of South Asian descent in gnomAD. Although we suspect that this variant may be pathogenic, at this time, the clinical significance of this variant is uncertain due to the absence of conclusive functional and genetic evidence.

NM_000441.2(SLC26A4):c.262G>A (p.Val88Ile)

Gene: SLC26A4 (solute carrier family 26 member 4; plus strand). Cytogenetic location: 7q22.3.
Variant type: single nucleotide variant.
Coding change: c.262G>A on transcript NM_000441.2 (MANE Select); coding-DNA position 262, G replaced by A.
Protein change: p.Val88Ile; replaces valine 88 with isoleucine.
Molecular consequence: missense variant.
Genome position (GRCh38, 1-based): chr7:107,663,393, G>A. VCF-style: chr7-107663393-G-A. GRCh37 (hg19) VCF-style: chr7-107303838-G-A.
Other names: short protein forms V88I.
Identifiers: ClinVar variation 4984043 (VCV004984043.1).